The following is an entry in ClinVar:

ClinVar aggregate classification (germline): Uncertain significance (1 of 4 stars; one submission).

gnomAD v4.1: 8 of 1,609,448 alleles (0.0005%); highest among the groups gnomAD compares: African/African-American, 0.0013%; no homozygotes.

Submission:

Labcorp Genetics (formerly Invitae), Labcorp
Classification: Uncertain significance. Last evaluated: 2024-03-27. Review status: criteria provided, single submitter. Criteria: Invitae Variant Classification Sherloc (09022015). Collection method: clinical testing. Allele origin: germline.
Comment: This sequence change replaces arginine, which is basic and polar, with histidine, which is basic and polar, at codon 233 of the TCIRG1 protein (p.Arg233His). The frequency data for this variant in the population databases is considered unreliable, as metrics indicate poor data quality at this position in the gnomAD database. This variant has not been reported in the literature in individuals affected with TCIRG1-related conditions. Advanced modeling of protein sequence and biophysical properties (such as structural, functional, and spatial information, amino acid conservation, physicochemical variation, residue mobility, and thermodynamic stability) performed at Invitae indicates that this missense variant is not expected to disrupt TCIRG1 protein function with a negative predictive value of 80%. In summary, the available evidence is currently insufficient to determine the role of this variant in disease. Therefore, it has been classified as a Variant of Uncertain Significance.

NM_006019.4(TCIRG1):c.698G>A (p.Arg233His)

Gene: TCIRG1 (T cell immune regulator 1, ATPase H+ transporting V0 subunit a3; plus strand). Cytogenetic location: 11q13.2.
Variant type: single nucleotide variant.
Coding change: c.698G>A on transcript NM_006019.4 (MANE Select); coding-DNA position 698, G replaced by A.
Protein change: p.Arg233His; replaces arginine 233 with histidine.
Molecular consequence: missense variant. On other transcripts: 5 prime UTR variant (1).
Genome position (GRCh38, 1-based): chr11:68,043,638, G>A. VCF-style: chr11-68043638-G-A. GRCh37 (hg19) VCF-style: chr11-67811105-G-A.
Other names: c.-213G>A (NM_001351059.2); c.50G>A, p.Arg17His (NM_006053.4); short protein forms R17H, R233H.
Identifiers: ClinVar variation 3715439 (VCV003715439.2).